The following is an entry in ClinVar:

NM_182914.3(SYNE2):c.14480G>A (p.Arg4827His)

Gene: SYNE2 (spectrin repeat containing nuclear envelope protein 2; plus strand). Cytogenetic location: 14q23.2.
Variant type: single nucleotide variant.
Coding change: c.14480G>A on transcript NM_182914.3 (MANE Select); coding-DNA position 14480, G replaced by A.
Protein change: p.Arg4827His; replaces arginine 4827 with histidine.
Molecular consequence: missense variant.
Genome position (GRCh38, 1-based): chr14:64,132,404, G>A. VCF-style: chr14-64132404-G-A. GRCh37 (hg19) VCF-style: chr14-64599122-G-A.
Other names: c.14480G>A (NM_182914.2); c.14480G>A, p.Arg4827His (NM_015180.6); short protein forms R4827H.
Identifiers: ClinVar variation 1934015 (VCV001934015.7), dbSNP rs774421754, ClinGen allele CA7222792.

ClinVar aggregate classification (germline): Conflicting classifications of pathogenicity. Review status: criteria provided, conflicting classifications (1 of 4 stars). 2 submissions from 2 submitters: Uncertain significance (1); Likely benign (1). Last evaluated 2025-04-10.

Conditions:
Emery-Dreifuss muscular dystrophy 5, autosomal dominant (EDMD5). Also called: EMERY-DREIFUSS MUSCULAR DYSTROPHY 5. Identifiers: Orphanet 261, MedGen C2751805, MONDO:0013072, OMIM 612999.

Allele frequency attached by ClinVar (database versions not stated): gnomAD exomes 0.00002; TOPMed 0.00002; ExAC 0.00003; gnomAD 0.00003.
gnomAD v4.1: 36 of 1,614,014 alleles (0.0022%); highest among the groups gnomAD compares: African/African-American, 0.0027%; no homozygotes.

Submissions (2):

Labcorp Genetics (formerly Invitae), Labcorp
Classification: Uncertain significance for Emery-Dreifuss muscular dystrophy 5, autosomal dominant. Last evaluated: 2025-04-10. Review status: criteria provided, single submitter. Criteria: Invitae Variant Classification Sherloc (09022015). Collection method: clinical testing. Allele origin: germline.
Comment: This sequence change replaces arginine, which is basic and polar, with histidine, which is basic and polar, at codon 4827 of the SYNE2 protein (p.Arg4827His). This variant is present in population databases (rs774421754, gnomAD 0.05%), and has an allele count higher than expected for a pathogenic variant. This variant has not been reported in the literature in individuals affected with SYNE2-related conditions. ClinVar contains an entry for this variant (Variation ID: 1934015). An algorithm developed to predict the effect of missense changes on protein structure and function outputs the following: PolyPhen-2: "Benign". The histidine amino acid residue is found in multiple mammalian species, which suggests that this missense change does not adversely affect protein function. In summary, the available evidence is currently insufficient to determine the role of this variant in disease. Therefore, it has been classified as a Variant of Uncertain Significance.

Ambry Genetics
Classification: Likely benign. Last evaluated: 2023-02-15. Review status: criteria provided, single submitter. Criteria: Ambry Variant Classification Scheme 2023. Collection method: clinical testing. Allele origin: germline.